The following is an entry in ClinVar:

NM_003366.4(UQCRC2):c.786T>A (p.Asn262Lys)

Genes: PDZD9 (PDZ domain containing 9), UQCRC2 (ubiquinol-cytochrome c reductase core protein 2). Cytogenetic location: 16p12.2.
Variant type: single nucleotide variant.
Coding change: c.786T>A on transcript NM_003366.4 (MANE Select); coding-DNA position 786, T replaced by A.
Protein change: p.Asn262Lys; replaces asparagine 262 with lysine.
Molecular consequence: missense variant.
Genome position (GRCh38, 1-based): chr16:21,971,942, T>A. VCF-style: chr16-21971942-T-A. GRCh37 (hg19) VCF-style: chr16-21983263-T-A.
Other names: short protein forms N262K.
Identifiers: ClinVar variation 4538179 (VCV004538179.1).
Genomic context (GRCh38, chr16:21,971,942, plus strand): 5'-AAGCCATTTTCTTCTTCCCTCTATCCTTAATCTGGCCCCAGGTGAAATCCGAGAACAGAA[T>A]GGAGACAGTCTTGTCCATGCTGCTTTTGTAGCAGAAAGTGCTGTCGCGGGAAGTGCAGAG-3'
Protein context (NP_003357.2, residues 252-272): NYRGGEIREQ[Asn262Lys]GDSLVHAAFV

ClinVar aggregate classification (germline): Uncertain significance (1 of 4 stars; one submission).

gnomAD v4.1: 1 of 1,614,152 alleles (0.000062%); no homozygotes.

Submission:

GeneDx
Classification: Uncertain significance. Last evaluated: 2025-06-12. Review status: criteria provided, single submitter. Criteria: GeneDx Variant Classification Process June 2021. Collection method: clinical testing. Allele origin: germline. Affected: yes.
Comment: Not observed at significant frequency in large population cohorts (gnomAD); In silico analysis suggests that this missense variant does not alter protein structure/function; Has not been previously published as pathogenic or benign to our knowledge